The following is an entry in ClinVar:

NM_004304.5(ALK):c.3719T>C (p.Leu1240Ser)

Gene: ALK (ALK receptor tyrosine kinase; minus strand). Cytogenetic location: 2p23.2.
Variant type: single nucleotide variant.
Coding change: c.3719T>C on transcript NM_004304.5 (MANE Select); coding-DNA position 3719, T replaced by C.
Protein change: p.Leu1240Ser; replaces leucine 1240 with serine.
Molecular consequence: missense variant.
Genome position (GRCh38, 1-based): chr2:29,214,008, A>G on the plus strand (T>C on the coding strand, the complement: ALK is on the minus strand). VCF-style: chr2-29214008-A-G. GRCh37 (hg19) VCF-style: chr2-29436874-A-G.
Other names: c.515T>C, p.Leu172Ser (NM_001353765.2); short protein forms L1240S, L172S.
Identifiers: ClinVar variation 4720332 (VCV004720332.1).

ClinVar aggregate classification (germline): Uncertain significance (1 of 4 stars; one submission).

Conditions:
Neuroblastoma, susceptibility to, 3. Also called: ALK-Related Neuroblastic Tumor Susceptibility. Identifiers: Orphanet 635, MedGen C2751681, MONDO:0013083, OMIM 613014.

Submission:

Labcorp Genetics (formerly Invitae), Labcorp
Classification: Uncertain significance for Neuroblastoma, susceptibility to, 3. Last evaluated: 2025-05-30. Review status: criteria provided, single submitter. Criteria: Invitae Variant Classification Sherloc (09022015). Collection method: clinical testing. Allele origin: germline.
Comment: This sequence change replaces leucine, which is neutral and non-polar, with serine, which is neutral and polar, at codon 1240 of the ALK protein (p.Leu1240Ser). This variant is not present in population databases (gnomAD no frequency). This variant has not been reported in the literature in individuals affected with ALK-related conditions. An algorithm developed to predict the effect of missense changes on protein structure and function (PolyPhen-2) suggests that this variant is likely to be disruptive. In summary, the available evidence is currently insufficient to determine the role of this variant in disease. Therefore, it has been classified as a Variant of Uncertain Significance.